The following is an entry in ClinVar:

ClinVar aggregate classification (germline): Uncertain significance. Review status: criteria provided, multiple submitters, no conflicts (2 of 4 stars). 4 submissions from 4 submitters: Uncertain significance (4). Last evaluated 2026-09-30.

Conditions:
Cardiovascular phenotype. Identifiers: MedGen CN230736.
TNXB-related disorder. Also called: TNXB-related condition.

Allele frequency attached by ClinVar (database versions not stated): gnomAD exomes 0.00005; ExAC 0.00007.
gnomAD v4.1: 39 of 1,613,420 alleles (0.0024%); highest among the groups gnomAD compares: Middle Eastern, 0.016%; no homozygotes.

Submissions (4):

GeneDx
Classification: Uncertain significance. Last evaluated: 2026-09-30. Review status: criteria provided, single submitter. Criteria: GeneDx Variant Classification Process June 2021. Collection method: clinical testing. Allele origin: germline.
Comment: Has not been previously published as pathogenic or benign to our knowledge; In silico analysis supports that this missense variant has a deleterious effect on protein structure/function

Women's Health and Genetics/Laboratory Corporation of America, LabCorp
Classification: Uncertain significance. Last evaluated: 2025-11-11. Review status: criteria provided, single submitter. Criteria: LabCorp Variant Classification Summary - May 2015. Collection method: clinical testing. Allele origin: germline.
Comment: Variant summary: TNXB c.6976C>A (p.Pro2326Thr) results in a non-conservative amino acid change in the encoded protein sequence. Algorithms developed to predict the effect of missense changes on protein structure and function are either unavailable or do not agree on the potential impact of this missense change. The variant allele was found at a frequency of 5.2e-05 in 248216 control chromosomes. This frequency is not significantly higher than estimated for disease-causing variants in TNXB, allowing no conclusion about variant significance. To our knowledge, no occurrence of c.6976C>A in individuals affected with TNXB-related conditions and no experimental evidence demonstrating its impact on protein function have been reported. ClinVar contains an entry for this variant (Variation ID: 1199665). Based on the evidence outlined above, the variant was classified as uncertain significance.

PreventionGenetics, part of Exact Sciences
Classification: Uncertain significance for TNXB-related condition. Last evaluated: 2025-10-26. Review status: criteria provided, single submitter. Criteria: ACMG Guidelines, 2015. Collection method: clinical testing. Allele origin: germline.
Comment: The TNXB c.6976C>A variant is predicted to result in the amino acid substitution p.Pro2326Thr. To our knowledge, this variant has not been reported in the literature. This variant is reported in 0.0098% of alleles in individuals of European (Non-Finnish) descent in gnomAD. At this time, the clinical significance of this variant is uncertain due to the absence of conclusive functional and genetic evidence.

Ambry Genetics
Classification: Uncertain significance for Cardiovascular phenotype. Last evaluated: 2025-03-17. Review status: criteria provided, single submitter. Criteria: Ambry Variant Classification Scheme 2023. Collection method: clinical testing. Allele origin: germline.
Comment: The p.P2326T variant (also known as c.6976C>A), located in coding exon 19 of the TNXB gene, results from a C to A substitution at nucleotide position 6976. The proline at codon 2326 is replaced by threonine, an amino acid with highly similar properties. This amino acid position is well conserved in available vertebrate species. In addition, this alteration is predicted to be tolerated by in silico analysis. Based on the available evidence, the clinical significance of this variant remains unclear.

NM_001365276.2(TNXB):c.6976C>A (p.Pro2326Thr)

Gene: TNXB (tenascin XB; minus strand). Cytogenetic location: 6p21.33.
Variant type: single nucleotide variant.
Coding change: c.6976C>A on transcript NM_001365276.2 (MANE Select); coding-DNA position 6976, C replaced by A.
Protein change: p.Pro2326Thr; replaces proline 2326 with threonine.
Molecular consequence: missense variant.
Genome position (GRCh38, 1-based): chr6:32,062,349, G>T on the plus strand (C>A on the coding strand, the complement: TNXB is on the minus strand). VCF-style: chr6-32062349-G-T. GRCh37 (hg19) VCF-style: chr6-32030126-G-T.
Other names: c.6976C>A, p.Pro2326Thr (NM_019105.8); short protein forms P2326T.
Identifiers: ClinVar variation 1199665 (VCV001199665.10), dbSNP rs757980679, ClinGen allele CA3734279.